The following is an entry in ClinVar:

NM_177438.3(DICER1):c.875A>C (p.Glu292Ala)

Gene: DICER1 (dicer 1, ribonuclease III; minus strand). Cytogenetic location: 14q32.13.
Variant type: single nucleotide variant.
Coding change: c.875A>C on transcript NM_177438.3 (MANE Select); coding-DNA position 875, A replaced by C.
Protein change: p.Glu292Ala; replaces glutamic acid 292 with alanine.
Molecular consequence: missense variant. On other transcripts: 5 prime UTR variant (1), non-coding transcript variant (6).
Genome position (GRCh38, 1-based): chr14:95,126,608, T>G on the plus strand (A>C on the coding strand, the complement: DICER1 is on the minus strand). VCF-style: chr14-95126608-T-G. GRCh37 (hg19) VCF-style: chr14-95592945-T-G.
Other names: c.875A>C, p.Glu292Ala (NM_001195573.1, NM_001271282.3, NM_001291628.2 and 14 more transcripts); c.593A>C, p.Glu198Ala (NM_001395686.1); c.470A>C, p.Glu157Ala (NM_001395687.1, NM_001395688.1, NM_001395689.1 and 3 more transcripts); c.308A>C, p.Glu103Ala (NM_001395691.1); c.-694A>C (NM_001395697.1); short protein forms E292A, E103A, E157A, E198A.
Identifiers: ClinVar variation 3840014 (VCV003840014.1).

ClinVar aggregate classification (germline): Uncertain significance (1 of 4 stars; one submission).

Conditions:
Hereditary cancer-predisposing syndrome. Also called: Hereditary neoplastic syndrome; Neoplastic Syndromes, Hereditary; Tumor predisposition; Hereditary Cancer Syndrome. Identifiers: Orphanet 140162, MedGen C0027672, MeSH D009386, MONDO:0015356.

Submission:

Ambry Genetics
Classification: Uncertain significance for Hereditary cancer-predisposing syndrome. Last evaluated: 2025-01-25. Review status: criteria provided, single submitter. Criteria: Ambry Variant Classification Scheme 2023. Collection method: clinical testing. Allele origin: germline.
Comment: The p.E292A variant (also known as c.875A>C), located in coding exon 6 of the DICER1 gene, results from an A to C substitution at nucleotide position 875. The glutamic acid at codon 292 is replaced by alanine, an amino acid with dissimilar properties. This amino acid position is conserved. In addition, this alteration is predicted to be tolerated by in silico analysis. Based on the available evidence, the clinical significance of this variant remains unclear.